The following is an entry in ClinVar:

ClinVar aggregate classification (germline): Uncertain significance. Review status: criteria provided, multiple submitters, no conflicts (2 of 4 stars). 4 submissions from 4 submitters: Uncertain significance (4). Last evaluated 2024-06-20.

Conditions:
Aortic aneurysm, familial thoracic 7 (AAT7). Also called: AORTIC DISSECTION, FAMILIAL, WITH OR WITHOUT AORTIC ANEURYSM. Identifiers: MedGen C3151077, MONDO:0013418, OMIM 613780.
Megacystis-microcolon-intestinal hypoperistalsis syndrome 1. Identifiers: MedGen C5542316, MONDO:0100354, OMIM 249210.
Familial thoracic aortic aneurysm and aortic dissection (TAAD). Also called: Thoracic aortic aneurysms and dissections. Identifiers: Orphanet 91387, MedGen C4707243, MONDO:0019625.

Allele frequency attached by ClinVar (database versions not stated): gnomAD exomes below 0.00001 and 0.00003; gnomAD 0.00001; TOPMed 0.00002.
gnomAD v4.1: 39 of 1,614,092 alleles (0.0024%); highest among the groups gnomAD compares: Non-Finnish European, 0.0031%; no homozygotes.

Submissions (4):

Labcorp Genetics (formerly Invitae), Labcorp
Classification: Uncertain significance for Aortic aneurysm, familial thoracic 7. Last evaluated: 2024-06-20. Review status: criteria provided, single submitter. Criteria: Invitae Variant Classification Sherloc (09022015). Collection method: clinical testing. Allele origin: germline.
Comment: This sequence change replaces threonine, which is neutral and polar, with serine, which is neutral and polar, at codon 88 of the MYLK protein (p.Thr88Ser). This variant is present in population databases (no rsID available, gnomAD 0.0009%). This missense change has been observed in individual(s) with clinical features of MYLK-related conditions (Invitae). ClinVar contains an entry for this variant (Variation ID: 654049). Advanced modeling of protein sequence and biophysical properties (such as structural, functional, and spatial information, amino acid conservation, physicochemical variation, residue mobility, and thermodynamic stability) performed at Invitae indicates that this missense variant is not expected to disrupt MYLK protein function with a negative predictive value of 95%. In summary, the available evidence is currently insufficient to determine the role of this variant in disease. Therefore, it has been classified as a Variant of Uncertain Significance.

Ambry Genetics
Classification: Uncertain significance for Familial thoracic aortic aneurysm and aortic dissection. Last evaluated: 2023-06-14. Review status: criteria provided, single submitter. Criteria: Ambry Variant Classification Scheme 2023. Collection method: clinical testing. Allele origin: germline.
Comment: The p.T88S variant (also known as c.263C>G), located in coding exon 2 of the MYLK gene, results from a C to G substitution at nucleotide position 263. The threonine at codon 88 is replaced by serine, an amino acid with similar properties. This amino acid position is conserved. In addition, this alteration is predicted to be tolerated by in silico analysis. Since supporting evidence is limited at this time, the clinical significance of this alteration remains unclear.

CHEO Genetics Diagnostic Laboratory, Children's Hospital of Eastern Ontario
Classification: Uncertain significance for Familial thoracic aortic aneurysm and aortic dissection. Last evaluated: 2022-03-29. Review status: criteria provided, single submitter. Criteria: ACMG Guidelines, 2015. Collection method: clinical testing. Allele origin: germline.

Fulgent Genetics
Classification: Uncertain significance for Megacystis-microcolon-intestinal hypoperistalsis syndrome 1; Aortic aneurysm, familial thoracic 7. Last evaluated: 2021-08-21. Review status: criteria provided, single submitter. Criteria: ACMG Guidelines, 2015. Collection method: clinical testing. Allele origin: unknown.

NM_053025.4(MYLK):c.263C>G (p.Thr88Ser)

Gene: MYLK (myosin light chain kinase; minus strand). Cytogenetic location: 3q21.1.
Variant type: single nucleotide variant.
Coding change: c.263C>G on transcript NM_053025.4 (MANE Select); coding-DNA position 263, C replaced by G.
Protein change: p.Thr88Ser; replaces threonine 88 with serine.
Molecular consequence: missense variant. On other transcripts: intron variant (1).
Genome position (GRCh38, 1-based): chr3:123,752,441, G>C on the plus strand (C>G on the coding strand, the complement: MYLK is on the minus strand). VCF-style: chr3-123752441-G-C. GRCh37 (hg19) VCF-style: chr3-123471288-G-C.
Other names: c.263C>G, p.Thr88Ser (NM_053026.4, NM_053027.4, NM_053028.4); c.-155-12440C>G (NM_001321309.2); short protein forms T88S.
Identifiers: ClinVar variation 654049 (VCV000654049.13), dbSNP rs1285946380, ClinGen allele CA354244635.